The following is an entry in ClinVar:

ClinVar aggregate classification (germline): Uncertain significance. Review status: criteria provided, multiple submitters, no conflicts (2 of 4 stars). 3 submissions from 3 submitters: Uncertain significance (3). Last evaluated 2025-11-15.

Allele frequency attached by ClinVar (database versions not stated): gnomAD 0.00001 and 0.00002; gnomAD exomes 0.00001 and 0.00006; TOPMed 0.00001; ExAC 0.00005; 1000 Genomes Project 0.00020; 1000 Genomes Project 30x 0.00047.
gnomAD v4.1: 11 of 1,614,160 alleles (0.00068%); highest among the groups gnomAD compares: East Asian, 0.025%; no homozygotes.

Submissions (3):

Labcorp Genetics (formerly Invitae), Labcorp
Classification: Uncertain significance. Last evaluated: 2025-11-15. Review status: criteria provided, single submitter. Criteria: Invitae Variant Classification Sherloc (09022015). Collection method: clinical testing. Allele origin: germline.
Comment: This sequence change replaces asparagine, which is neutral and polar, with serine, which is neutral and polar, at codon 169 of the UNC119 protein (p.Asn169Ser). This variant is present in population databases (rs184171969, gnomAD 0.08%), and has an allele count higher than expected for a pathogenic variant. This variant has not been reported in the literature in individuals affected with UNC119-related conditions. ClinVar contains an entry for this variant (Variation ID: 1058837). An algorithm developed to predict the effect of missense changes on protein structure and function (PolyPhen-2) suggests that this variant is likely to be tolerated. In summary, the available evidence is currently insufficient to determine the role of this variant in disease. Therefore, it has been classified as a Variant of Uncertain Significance.

Ambry Genetics
Classification: Uncertain significance. Last evaluated: 2023-10-02. Review status: criteria provided, single submitter. Criteria: Ambry Variant Classification Scheme 2023. Collection method: clinical testing. Allele origin: germline.

Blueprint Genetics
Classification: Uncertain significance. Last evaluated: 2023-07-07. Review status: criteria provided, single submitter. Criteria: ACMG Guidelines, 2015. Collection method: clinical testing. Allele origin: germline.

NM_005148.4(UNC119):c.506A>G (p.Asn169Ser)

Gene: UNC119 (unc-119 lipid binding chaperone; minus strand). Cytogenetic location: 17q11.2.
Variant type: single nucleotide variant.
Coding change: c.506A>G on transcript NM_005148.4 (MANE Select); coding-DNA position 506, A replaced by G.
Protein change: p.Asn169Ser; replaces asparagine 169 with serine.
Molecular consequence: missense variant.
Genome position (GRCh38, 1-based): chr17:28,547,781, T>C on the plus strand (A>G on the coding strand, the complement: UNC119 is on the minus strand). VCF-style: chr17-28547781-T-C. GRCh37 (hg19) VCF-style: chr17-26874799-T-C.
Other names: c.506A>G (NM_005148.3); c.221A>G, p.Asn74Ser (NM_001330166.2); c.506A>G, p.Asn169Ser (NM_054035.2); short protein forms N169S, N74S.
Identifiers: ClinVar variation 1058837 (VCV001058837.7), dbSNP rs184171969, ClinGen allele CA8459760.